The following is an entry in ClinVar:

NM_004183.4(BEST1):c.1354G>A (p.Ala452Thr)

Gene: BEST1 (bestrophin 1; plus strand). Cytogenetic location: 11q12.3.
Variant type: single nucleotide variant.
Coding change: c.1354G>A on transcript NM_004183.4 (MANE Select); coding-DNA position 1354, G replaced by A.
Protein change: p.Ala452Thr; replaces alanine 452 with threonine.
Molecular consequence: missense variant. On other transcripts: non-coding transcript variant (1).
Genome position (GRCh38, 1-based): chr11:61,962,508, G>A. VCF-style: chr11-61962508-G-A. GRCh37 (hg19) VCF-style: chr11-61729980-G-A.
Other names: c.1174G>A, p.Ala392Thr (NM_001139443.3, NM_001300787.2); c.1093G>A, p.Ala365Thr (NM_001300786.2); c.1036G>A, p.Ala346Thr (NM_001363591.3); c.*249G>A (NM_001363592.2); c.382G>A, p.Ala128Thr (NM_001363593.3); short protein forms A128T, A452T, A365T, A392T, A346T.
Identifiers: ClinVar variation 934545 (VCV000934545.9), dbSNP rs1392588193, ClinGen allele CA380848589.

ClinVar aggregate classification (germline): Uncertain significance (1 of 4 stars; one submission).

Allele frequency attached by ClinVar (database versions not stated): gnomAD 0.00001; gnomAD exomes 0.00001; TOPMed 0.00001.

Submission:

Labcorp Genetics (formerly Invitae), Labcorp
Classification: Uncertain significance. Last evaluated: 2019-09-10. Review status: criteria provided, single submitter. Criteria: Invitae Variant Classification Sherloc (09022015). Collection method: clinical testing. Allele origin: germline.
Comment: In summary, the available evidence is currently insufficient to determine the role of this variant in disease. Therefore, it has been classified as a Variant of Uncertain Significance. Algorithms developed to predict the effect of missense changes on protein structure and function output the following: SIFT: "Tolerated"; PolyPhen-2: "Benign"; Align-GVGD: "Class C0". The threonine amino acid residue is found in multiple mammalian species, suggesting that this missense change does not adversely affect protein function. These predictions have not been confirmed by published functional studies and their clinical significance is uncertain. This variant has not been reported in the literature in individuals with BEST1-related conditions. This variant is not present in population databases (ExAC no frequency). This sequence change replaces alanine with threonine at codon 452 of the BEST1 protein (p.Ala452Thr). The alanine residue is weakly conserved and there is a small physicochemical difference between alanine and threonine.